The following is an entry in ClinVar:

ClinVar aggregate classification (germline): Uncertain significance (1 of 4 stars; one submission).

Conditions:
Neutral lipid storage myopathy (NLSDM). Also called: NEUTRAL LIPID STORAGE DISEASE WITHOUT ICHTHYOSIS. Identifiers: Orphanet 98908, MedGen C1853136, MONDO:0012545, OMIM 610717.

Submission:

Labcorp Genetics (formerly Invitae), Labcorp
Classification: Uncertain significance for Neutral lipid storage myopathy. Last evaluated: 2022-05-09. Review status: criteria provided, single submitter. Criteria: Invitae Variant Classification Sherloc (09022015). Collection method: clinical testing. Allele origin: germline.
Comment: This variant is not present in population databases (gnomAD no frequency). This sequence change replaces alanine, which is neutral and non-polar, with threonine, which is neutral and polar, at codon 76 of the PNPLA2 protein (p.Ala76Thr). This variant has not been reported in the literature in individuals affected with PNPLA2-related conditions. In summary, the available evidence is currently insufficient to determine the role of this variant in disease. Therefore, it has been classified as a Variant of Uncertain Significance. Algorithms developed to predict the effect of missense changes on protein structure and function are either unavailable or do not agree on the potential impact of this missense change (SIFT: "Tolerated"; PolyPhen-2: "Probably Damaging"; Align-GVGD: "Class C0").

NM_020376.4(PNPLA2):c.226G>A (p.Ala76Thr)

Gene: PNPLA2 (patatin like domain 2, triacylglycerol lipase; plus strand). Cytogenetic location: 11p15.5.
Variant type: single nucleotide variant.
Coding change: c.226G>A on transcript NM_020376.4 (MANE Select); coding-DNA position 226, G replaced by A.
Protein change: p.Ala76Thr; replaces alanine 76 with threonine.
Molecular consequence: missense variant.
Genome position (GRCh38, 1-based): chr11:821,666, G>A. VCF-style: chr11-821666-G-A. GRCh37 (hg19) VCF-style: chr11-821666-G-A.
Other names: short protein forms A76T.
Identifiers: ClinVar variation 2135876 (VCV002135876.4), dbSNP rs1845668035, ClinGen allele CA378978083.